The following is an entry in ClinVar:

ClinVar aggregate classification (germline): Conflicting classifications of pathogenicity. Review status: criteria provided, conflicting classifications (1 of 4 stars). 4 submissions from 4 submitters: Uncertain significance (2); Likely benign (2). Last evaluated 2023-06-28.

Conditions:
Osteogenesis imperfecta type 6. Also called: Osteogenesis imperfecta, type VI. Identifiers: Orphanet 666, MedGen C3279564, MONDO:0013515, OMIM 613982.

Allele frequency attached by ClinVar (database versions not stated): gnomAD exomes 0.00010 and 0.00017; TOPMed 0.00012; gnomAD 0.00013 and 0.00014; ESP Exome Variant Server 0.00015; ExAC 0.00019.

Submissions (4):

Blueprint Genetics
Classification: Likely benign. Last evaluated: 2023-06-28. Review status: criteria provided, single submitter. Criteria: ACMG Guidelines, 2015. Collection method: clinical testing. Allele origin: germline.

Labcorp Genetics (formerly Invitae), Labcorp
Classification: Uncertain significance. Last evaluated: 2022-08-09. Review status: criteria provided, single submitter. Criteria: Invitae Variant Classification Sherloc (09022015). Collection method: clinical testing. Allele origin: germline.
Comment: This sequence change falls in intron 5 of the SERPINF1 gene. It does not directly change the encoded amino acid sequence of the SERPINF1 protein. It affects a nucleotide within the consensus splice site. This variant is present in population databases (rs199908714, gnomAD 0.2%). This variant has not been reported in the literature in individuals affected with SERPINF1-related conditions. ClinVar contains an entry for this variant (Variation ID: 322006). Variants that disrupt the consensus splice site are a relatively common cause of aberrant splicing (PMID: 17576681, 9536098). Algorithms developed to predict the effect of sequence changes on RNA splicing suggest that this variant is not likely to affect RNA splicing. In summary, the available evidence is currently insufficient to determine the role of this variant in disease. Therefore, it has been classified as a Variant of Uncertain Significance.

GeneDx
Classification: Likely benign. Last evaluated: 2021-02-24. Review status: criteria provided, single submitter. Criteria: GeneDx Variant Classification Process June 2021. Collection method: clinical testing. Allele origin: germline. Affected: yes.

Illumina Laboratory Services, Illumina
Classification: Uncertain significance for Osteogenesis imperfecta type 6. Last evaluated: 2018-01-12. Review status: criteria provided, single submitter. Criteria: ICSL Variant Classification Criteria 13 December 2019. Collection method: clinical testing. Allele origin: germline.

Literature cited by the submitters: PubMed 17576681 (cited by Labcorp Genetics (formerly Invitae), Labcorp); PubMed 9536098 (cited by Labcorp Genetics (formerly Invitae), Labcorp).

NM_002615.7(SERPINF1):c.643+6C>T

Gene: SERPINF1 (serpin family F member 1; plus strand). Cytogenetic location: 17p13.3.
Variant type: single nucleotide variant.
Coding change: c.643+6C>T on transcript NM_002615.7 (MANE Select); 6 bases into the intron after coding-DNA position 643, C replaced by T.
Molecular consequence: intron variant.
Genome position (GRCh38, 1-based): chr17:1,772,081, C>T. VCF-style: chr17-1772081-C-T. GRCh37 (hg19) VCF-style: chr17-1675375-C-T.
Other names: c.82+6C>T (NM_001329904.2, NM_001329905.2); c.643+6C>T (NM_001329903.2).
Identifiers: ClinVar variation 322006 (VCV000322006.11), dbSNP rs199908714, ClinGen allele CA8274760.